The following is an entry in ClinVar:

ClinVar aggregate classification (germline): Uncertain significance. Review status: criteria provided, multiple submitters, no conflicts (2 of 4 stars). 3 submissions from 3 submitters: Uncertain significance (3). Last evaluated 2025-07-18.

Conditions:
Long QT syndrome (LQTS). Identifiers: MedGen C0023976, MeSH D008133, MONDO:0002442. Disease mechanism: loss of function. Inheritance: Various modes of inheritance.
Cardiac arrhythmia. Also called: Cardiac rhythm disease; Arrhythmia. Identifiers: MedGen C0003811, MONDO:0007263, HP:0011675.

gnomAD v4.1: 2 of 1,589,070 alleles (0.00013%); highest among the groups gnomAD compares: Non-Finnish European, 0.00017%; no homozygotes.

Submissions (3):

Color Diagnostics, LLC DBA Color Health
Classification: Uncertain significance for Cardiac arrhythmia. Last evaluated: 2025-07-18. Review status: criteria provided, single submitter. Criteria: ACMG Guidelines, 2015. Collection method: clinical testing. Allele origin: germline.
Comment: This missense variant replaces glutamine with leucine at codon 11 of the KCNH2 protein. This variant is located within the conserved cytoplasmic (aa 1-403) of the KCNH2 protein. Rare non-truncating variants in this region have been shown to be significantly overrepresented in individuals with long QT syndrome (PMID: 32893267). Computational prediction suggests that this variant may have a deleterious impact on protein structure and function. To our knowledge, functional studies have not been reported for this variant. This variant has not been reported in individuals affected with KCNH2-related disorders in the literature. This variant has been identified in 1/29482 chromosomes in the general population by the Genome Aggregation Database (gnomAD). The available evidence is insufficient to determine the role of this variant in disease conclusively. Therefore, this variant is classified as a Variant of Uncertain Significance.

All of Us Research Program, National Institutes of Health
Classification: Uncertain significance for Long QT syndrome. Last evaluated: 2024-09-23. Review status: criteria provided, single submitter. Criteria: ACMG Guidelines, 2015. Collection method: clinical testing. Allele origin: germline. Inheritance: Autosomal dominant inheritance. Observed: 1 variant allele, 1 heterozygote.
Comment: This study involves interpretation of variants in research participants for the purpose of population health screening. Participant phenotype was not available at the time of variant classification. Additional details can be found in publication PMID: 35346344, PMCID: PMC8962531

Labcorp Genetics (formerly Invitae), Labcorp
Classification: Uncertain significance for Long QT syndrome. Last evaluated: 2024-05-31. Review status: criteria provided, single submitter. Criteria: Invitae Variant Classification Sherloc (09022015). Collection method: clinical testing. Allele origin: germline.
Comment: This sequence change replaces glutamine, which is neutral and polar, with leucine, which is neutral and non-polar, at codon 11 of the KCNH2 protein (p.Gln11Leu). This variant is not present in population databases (gnomAD no frequency). This variant has not been reported in the literature in individuals affected with KCNH2-related conditions. An algorithm developed to predict the effect of missense changes on protein structure and function (PolyPhen-2) suggests that this variant is likely to be tolerated. In summary, the available evidence is currently insufficient to determine the role of this variant in disease. Therefore, it has been classified as a Variant of Uncertain Significance.

Literature cited by the submitters: PubMed 32893267 (cited by Color Diagnostics, LLC DBA Color Health).

NM_000238.4(KCNH2):c.32A>T (p.Gln11Leu)

Gene: KCNH2 (potassium voltage-gated channel subfamily H member 2; minus strand). Cytogenetic location: 7q36.1.
Variant type: single nucleotide variant.
Coding change: c.32A>T on transcript NM_000238.4 (MANE Select); coding-DNA position 32, A replaced by T.
Protein change: p.Gln11Leu; replaces glutamine 11 with leucine.
Molecular consequence: missense variant. On other transcripts: non-coding transcript variant (1).
Genome position (GRCh38, 1-based): chr7:150,977,882, T>A on the plus strand (A>T on the coding strand, the complement: KCNH2 is on the minus strand). VCF-style: chr7-150977882-T-A. GRCh37 (hg19) VCF-style: chr7-150674970-T-A.
Other names: c.32A>T, p.Gln11Leu (NM_172056.3); short protein forms Q11L.
Identifiers: ClinVar variation 3386921 (VCV003386921.4).